The following is an entry in ClinVar:

NM_003107.3(SOX4):c.919T>G (p.Ser307Ala)

Genes: SOX4 (SRY-box transcription factor 4; plus strand), LOC129995966 (ATAC-STARR-seq lymphoblastoid silent region 16986; plus strand). Cytogenetic location: 6p22.3.
Variant type: single nucleotide variant.
Coding change: c.919T>G on transcript NM_003107.3 (MANE Select); coding-DNA position 919, T replaced by G.
Protein change: p.Ser307Ala; replaces serine 307 with alanine.
Molecular consequence: missense variant.
Genome position (GRCh38, 1-based): chr6:21,595,453, T>G. VCF-style: chr6-21595453-T-G. GRCh37 (hg19) VCF-style: chr6-21595684-T-G.
Other names: short protein forms S307A.
Identifiers: ClinVar variation 4682074 (VCV004682074.5).
Genomic context (GRCh38, chr6:21,595,453, plus strand): 5'-CACCTGGCGGAGAAGAAGGTGAAGCGCGTCTACCTGTTCGGCGGCCTGGGCACGTCGTCG[T>G]CGCCCGTGGGCGGCGTGGGCGCGGGAGCCGACCCCAGCGACCCCCTGGGCCTGTACGAGG-3'
Protein context (NP_003098.1, residues 297-317): YLFGGLGTSS[Ser307Ala]PVGGVGAGAD

ClinVar aggregate classification (germline): Uncertain significance (1 of 4 stars; one submission).

Submission:

CeGaT Center for Human Genetics Tuebingen
Classification: Uncertain significance. Last evaluated: 2025-12-01. Review status: criteria provided, single submitter. Criteria: CeGaT Center For Human Genetics Tuebingen Variant Classification Criteria Version 2. Collection method: clinical testing. Allele origin: germline. Affected: yes. Observed: 1 variant allele.
Comment: SOX4: PM2, PP3